The following is an entry in ClinVar:

NM_000540.3(RYR1):c.14779G>A (p.Val4927Ile)

Gene: RYR1 (ryanodine receptor 1; plus strand). Cytogenetic location: 19q13.2.
Variant type: single nucleotide variant.
Coding change: c.14779G>A on transcript NM_000540.3 (MANE Select); coding-DNA position 14779, G replaced by A.
Protein change: p.Val4927Ile; replaces valine 4927 with isoleucine.
Molecular consequence: missense variant.
Genome position (GRCh38, 1-based): chr19:38,585,075, G>A. VCF-style: chr19-38585075-G-A. GRCh37 (hg19) VCF-style: chr19-39075715-G-A.
Other names: c.14764G>A, p.Val4922Ile (NM_001042723.2); short protein forms V4922I, V4927I.
Identifiers: ClinVar variation 2396930 (VCV002396930.29), dbSNP rs193922892, ClinGen allele CA061593.
Genomic context (GRCh38, chr19:38,585,075, plus strand): 5'-GGTGACGAATACGAGCTCTACAGGGTGGTCTTCGACATCACCTTCTTCTTCTTCGTCATC[G>A]TCATCCTGTTGGCCATCATCCAGGGTCAGTGCTGGGAGTGGGCGCTCAGGGCCCGGAGGC-3'
Protein context (NP_000531.2, residues 4917-4937): FDITFFFFVI[Val4927Ile]ILLAIIQGLI

ClinVar aggregate classification (germline): Uncertain significance. Review status: criteria provided, multiple submitters, no conflicts (2 of 4 stars). 6 submissions from 6 submitters: Uncertain significance (6). Last evaluated 2026-08-11.

Conditions:
Fetal anomalies with a likely genetic cause.
Inborn genetic diseases. Identifiers: MedGen C0950123, MeSH D030342.
Malignant hyperthermia, susceptibility to, 1 (MHS1). Also called: RYR1-Related Malignant Hyperthermia Susceptibility; Malignant hyperthermia suceptibility 1; Anesthesia related hyperthermia; Malignant hyperpyrexia; Fulminating hyperpyrexia; Pharmacogenic myopathy. Identifiers: Orphanet 423, MedGen C2930980, MONDO:0007783, OMIM 145600.

Allele frequency attached by ClinVar (database versions not stated): ExAC 0.00001; gnomAD 0.00001; gnomAD exomes 0.00001; TOPMed 0.00001.
gnomAD v4.1: 10 of 1,613,674 alleles (0.00062%); highest among the groups gnomAD compares: Middle Eastern, 0.016%; no homozygotes.

Submissions (6):

Genetics Laboratory, Great Ormond Street Hospital NHS Foundation Trust, North Thames Genomic Laboratory Hub
Classification: Uncertain significance for Fetal anomalies with a likely genetic cause. Last evaluated: 2026-08-11. Review status: criteria provided, single submitter. Criteria: ACGS Best Practice Guidelines for Variant Classification in Rare Disease 2024 v1.2. Collection method: clinical testing. Allele origin: germline. Affected: yes.
Comment: PM2_moderate, PM5_moderate

Color Diagnostics, LLC DBA Color Health
Classification: Uncertain significance for Malignant hyperthermia, susceptibility to, 1. Last evaluated: 2025-09-04. Review status: criteria provided, single submitter. Criteria: ACMG Guidelines, 2015. Collection method: clinical testing. Allele origin: germline.
Comment: This missense variant replaces valine with isoleucine at codon 4927 of the RYR1 protein. Computational prediction is inconclusive regarding the impact of this variant on protein structure and function. To our knowledge, functional studies have not been reported for this variant. This variant has not been reported in individuals affected with RYR1-related disorders in the literature. This variant has been identified in 2/250800 chromosomes in the general population by the Genome Aggregation Database (gnomAD). The available evidence is insufficient to determine the role of this variant in disease conclusively. Therefore, this variant is classified as a Variant of Uncertain Significance.

GeneDx
Classification: Uncertain significance. Last evaluated: 2025-08-07. Review status: criteria provided, single submitter. Criteria: GeneDx Variant Classification Process June 2021. Collection method: clinical testing. Allele origin: germline. Affected: yes.
Comment: Reported in an individual with dystonia who also harbored a second RYR1 variant, phase unknown (PMID: 37541188); Not observed at significant frequency in large population cohorts (gnomAD); In silico analysis suggests that this missense variant does not alter protein structure/function; This variant is associated with the following publications: (PMID: 20681998, 33767344, 37541188)

Revvity Omics, Revvity
Classification: Uncertain significance. Last evaluated: 2023-11-06. Review status: criteria provided, single submitter. Criteria: ACMG Guidelines, 2015. Collection method: clinical testing. Allele origin: germline.

CeGaT Center for Human Genetics Tuebingen
Classification: Uncertain significance. Last evaluated: 2023-11-01. Review status: criteria provided, single submitter. Criteria: CeGaT Center For Human Genetics Tuebingen Variant Classification Criteria Version 2. Collection method: clinical testing. Allele origin: germline. Affected: yes. Observed: 1 variant allele.
Comment: RYR1: PM1, PM5

Ambry Genetics
Classification: Uncertain significance for Inborn genetic diseases. Last evaluated: 2022-12-21. Review status: criteria provided, single submitter. Criteria: Ambry Variant Classification Scheme 2023. Collection method: clinical testing. Allele origin: germline.